The following is an entry in ClinVar:

NM_003072.5(SMARCA4):c.3018G>A (p.Val1006=)

Gene: SMARCA4 (SWI/SNF related BAF chromatin remodeling complex subunit ATPase 4; plus strand). Cytogenetic location: 19p13.2.
Variant type: single nucleotide variant.
Coding change: c.3018G>A on transcript NM_003072.5 (MANE Select); coding-DNA position 3018, G replaced by A.
Protein change: p.Val1006=; no amino-acid change (valine 1006 retained).
Molecular consequence: synonymous variant. On other transcripts: non-coding transcript variant (1).
Genome position (GRCh38, 1-based): chr19:11,024,375, G>A. VCF-style: chr19-11024375-G-A. GRCh37 (hg19) VCF-style: chr19-11135051-G-A.
Other names: c.3018G>A, p.Val1006= (NM_001128849.3, NM_001374457.1, NM_001387283.1 and 5 more transcripts).
Identifiers: ClinVar variation 537864 (VCV000537864.16), dbSNP rs752405804, ClinGen allele CA9204297.
Genomic context (GRCh38, chr19:11,024,375, plus strand): 5'-TATGTGTCCCCTGCAGGTGGAGTACGTCATCAAGTGCGACATGTCTGCGCTGCAGCGAGT[G>A]CTCTACCGCCACATGCAGGCCAAGGGCGTGCTGCTGACTGATGGCTCCGAGAAGGACAAG-3'
Protein context (NP_003063.2, residues 996-1016): IKCDMSALQR[Val1006=]LYRHMQAKGV

ClinVar aggregate classification (germline): Benign/Likely benign. Review status: criteria provided, multiple submitters, no conflicts (2 of 4 stars). 4 submissions from 4 submitters: Benign (2); Likely benign (2). Last evaluated 2026-07-14.

Conditions:
Hereditary cancer-predisposing syndrome. Also called: Tumor predisposition; Neoplastic Syndromes, Hereditary; Hereditary Cancer Syndrome; Hereditary neoplastic syndrome. Identifiers: Orphanet 140162, MedGen C0027672, MeSH D009386, MONDO:0015356.
Rhabdoid tumor predisposition syndrome 2 (RTPS2). Identifiers: Orphanet 231108, Orphanet 69077, MedGen C2750074, MONDO:0013224, OMIM 613325.

Allele frequency attached by ClinVar (database versions not stated): gnomAD 0.00003; TOPMed 0.00006.
gnomAD v4.1: 8 of 1,613,054 alleles (0.0005%); highest among the groups gnomAD compares: African/African-American, 0.011%; no homozygotes.

Submissions (4):

Myriad Genetics, Inc.
Classification: Benign for Rhabdoid tumor predisposition syndrome 2. Last evaluated: 2026-07-14. Review status: criteria provided, single submitter. Criteria: Myriad Autosomal Dominant, Autosomal Recessive and X-Linked Classification Criteria (2023). Collection method: clinical testing. Allele origin: unknown.
Comment: This variant is considered benign. This variant is a silent/synonymous amino acid change and it is not expected to impact splicing.

Labcorp Genetics (formerly Invitae), Labcorp
Classification: Likely benign for Rhabdoid tumor predisposition syndrome 2. Last evaluated: 2026-01-17. Review status: criteria provided, single submitter. Criteria: Invitae Variant Classification Sherloc (09022015). Collection method: clinical testing. Allele origin: germline.

Quest Diagnostics Nichols Institute San Juan Capistrano
Classification: Benign. Last evaluated: 2025-06-04. Review status: criteria provided, single submitter. Criteria: Quest Diagnostics criteria. Collection method: clinical testing. Allele origin: unknown.

Ambry Genetics
Classification: Likely benign for Hereditary cancer-predisposing syndrome. Last evaluated: 2017-11-30. Review status: criteria provided, single submitter. Criteria: Ambry Variant Classification Scheme 2023. Collection method: clinical testing. Allele origin: germline.